The following is an entry in ClinVar:

ClinVar aggregate classification (germline): Uncertain significance (1 of 4 stars; one submission).

Allele frequency attached by ClinVar (database versions not stated): ExAC 0.00001; gnomAD 0.00002; TOPMed 0.00002; ESP Exome Variant Server 0.00008.
gnomAD v4.1: 11 of 1,614,088 alleles (0.00068%); highest among the groups gnomAD compares: Non-Finnish European, 0.00093%; no homozygotes.

Submission:

GeneDx
Classification: Uncertain significance. Last evaluated: 2022-04-01. Review status: criteria provided, single submitter. Criteria: GeneDx Variant Classification Process June 2021. Collection method: clinical testing. Allele origin: germline. Affected: yes.
Comment: In silico analysis supports that this missense variant has a deleterious effect on protein structure/function; Has not been previously published as pathogenic or benign to our knowledge

NM_006424.3(SLC34A2):c.1634T>C (p.Phe545Ser)

Gene: SLC34A2 (solute carrier family 34 member 2; plus strand). Cytogenetic location: 4p15.2.
Variant type: single nucleotide variant.
Coding change: c.1634T>C on transcript NM_006424.3 (MANE Select); coding-DNA position 1634, T replaced by C.
Protein change: p.Phe545Ser; replaces phenylalanine 545 with serine.
Molecular consequence: missense variant.
Genome position (GRCh38, 1-based): chr4:25,676,310, T>C. VCF-style: chr4-25676310-T-C. GRCh37 (hg19) VCF-style: chr4-25677932-T-C.
Other names: c.1631T>C, p.Phe544Ser (NM_001177998.2, NM_001177999.2); short protein forms F544S, F545S.
Identifiers: ClinVar variation 1707763 (VCV001707763.2), dbSNP rs377166831, ClinGen allele CA2879899.